The following is an entry in ClinVar:

NM_152713.5(STT3A):c.1631A>G (p.Asn544Ser)

Gene: STT3A (STT3 oligosaccharyltransferase complex catalytic subunit A; plus strand). Cytogenetic location: 11q24.2.
Variant type: single nucleotide variant.
Coding change: c.1631A>G on transcript NM_152713.5 (MANE Select); coding-DNA position 1631, A replaced by G.
Protein change: p.Asn544Ser; replaces asparagine 544 with serine.
Molecular consequence: missense variant.
Genome position (GRCh38, 1-based): chr11:125,614,163, A>G. VCF-style: chr11-125614163-A-G. GRCh37 (hg19) VCF-style: chr11-125484058-A-G.
Other names: p.Asn544Ser; c.1631A>G, p.Asn544Ser (NM_001278503.2); c.1355A>G, p.Asn452Ser (NM_001278504.2); short protein forms N452S, N544S.
Identifiers: ClinVar variation 2691772 (VCV002691772.3), dbSNP rs2498182943, ClinGen allele CA383186490.

ClinVar aggregate classification (germline): Uncertain significance. Review status: criteria provided, single submitter (1 of 4 stars). 2 submissions from 2 submitters: Uncertain significance (1). 1 of the submissions does not count toward it. Last evaluated 2024-02-21.

Conditions:
Inborn genetic diseases. Identifiers: MedGen C0950123, MeSH D030342.
Congenital disorder of glycosylation, type Iw, autosomal dominant (CDG1WAD). Identifiers: MedGen C5562068, MONDO:0859223, OMIM 619714.

Allele frequency attached by ClinVar (database versions not stated): gnomAD exomes below 0.00001.
gnomAD v4.1: 1 of 1,614,244 alleles (0.000062%); highest among the groups gnomAD compares: Non-Finnish European, 0.000085%; no homozygotes.

Submissions (2):

Ambry Genetics
Classification: Uncertain significance for Inborn genetic diseases. Last evaluated: 2024-02-21. Review status: criteria provided, single submitter. Criteria: Ambry Variant Classification Scheme 2023. Collection method: clinical testing. Allele origin: germline.
Comment: The c.1631A>G (p.N544S) alteration is located in exon 14 (coding exon 13) of the STT3A gene. This alteration results from an A to G substitution at nucleotide position 1631, causing the asparagine (N) at amino acid position 544 to be replaced by a serine (S). This variant was not reported in population-based cohorts in the Genome Aggregation Database (gnomAD). This amino acid position is highly conserved in available vertebrate species. The in silico prediction for this alteration is inconclusive. Based on insufficient or conflicting evidence, the clinical significance of this alteration remains unclear.

Undiagnosed Diseases Network, NIH
Classification: Uncertain significance for Congenital disorder of glycosylation, type Iw, autosomal dominant. Last evaluated: 2023-02-17. Review status: no assertion criteria provided. Collection method: clinical testing. Allele origin: de novo. Affected: yes. Observed: 1 variant allele, 1 heterozygote. Study: Undiagnosed Diseases Network (NIH), UDN. Not counted in ClinVar's aggregate classification.
Comment: CDG tandem mass spectrometry and found a unique profile consistent with that of CDG Type Iw.